The following is an entry in ClinVar:

ClinVar aggregate classification (germline): Benign/Likely benign. Review status: criteria provided, multiple submitters, no conflicts (2 of 4 stars). 4 submissions from 4 submitters: Benign (1); Likely benign (3). Last evaluated 2024-09-03.

Conditions:
Hereditary cancer-predisposing syndrome. Also called: Tumor predisposition; Neoplastic Syndromes, Hereditary; Hereditary Cancer Syndrome; Hereditary neoplastic syndrome. Identifiers: Orphanet 140162, MedGen C0027672, MeSH D009386, MONDO:0015356.
Fanconi anemia complementation group J. Also called: BRIP1-Related Fanconi Anemia. Identifiers: Orphanet 84, MedGen C1836860, MONDO:0012187, OMIM 609054.
Familial cancer of breast. Also called: BREAST CANCER, FAMILIAL; hereditary breast carcinoma; Hereditary breast cancer. Identifiers: Orphanet 227535, MedGen C0346153, MONDO:0016419, OMIM 114480. Disease mechanism: loss of function.

Submissions (4):

Myriad Genetics, Inc.
Classification: Benign for Familial cancer of breast. Last evaluated: 2024-09-03. Review status: criteria provided, single submitter. Criteria: Myriad Autosomal Dominant, Autosomal Recessive and X-Linked Classification Criteria (2023). Collection method: clinical testing. Allele origin: unknown.
Comment: This variant is considered benign. This variant is a silent/synonymous amino acid change and it is not expected to impact splicing.

Ambry Genetics
Classification: Likely benign for Hereditary cancer-predisposing syndrome. Last evaluated: 2021-10-07. Review status: criteria provided, single submitter. Criteria: Ambry Variant Classification Scheme 2023. Collection method: clinical testing. Allele origin: germline.

Labcorp Genetics (formerly Invitae), Labcorp
Classification: Likely benign for Familial cancer of breast; Fanconi anemia complementation group J. Last evaluated: 2021-01-01. Review status: criteria provided, single submitter. Criteria: Invitae Variant Classification Sherloc (09022015). Collection method: clinical testing. Allele origin: germline.

Color Diagnostics, LLC DBA Color Health
Classification: Likely benign for Hereditary cancer-predisposing syndrome. Last evaluated: 2016-12-02. Review status: criteria provided, single submitter. Criteria: ACMG Guidelines, 2015. Collection method: clinical testing. Allele origin: germline.

NM_032043.3(BRIP1):c.2215C>T (p.Leu739=)

Gene: BRIP1 (BRCA1 interacting DNA helicase 1; minus strand). Cytogenetic location: 17q23.2.
Variant type: single nucleotide variant.
Coding change: c.2215C>T on transcript NM_032043.3 (MANE Select); coding-DNA position 2215, C replaced by T.
Protein change: p.Leu739=; no amino-acid change (leucine 739 retained).
Molecular consequence: synonymous variant.
Genome position (GRCh38, 1-based): chr17:61,744,474, G>A on the plus strand (C>T on the coding strand, the complement: BRIP1 is on the minus strand). VCF-style: chr17-61744474-G-A. GRCh37 (hg19) VCF-style: chr17-59821835-G-A.
Identifiers: ClinVar variation 491434 (VCV000491434.15), dbSNP rs1555591374, ClinGen allele CA501151251.